The following is an entry in ClinVar:

NM_006158.5(NEFL):c.454G>A (p.Asp152Asn)

Gene: NEFL (neurofilament light chain; minus strand). Cytogenetic location: 8p21.2.
Variant type: single nucleotide variant.
Coding change: c.454G>A on transcript NM_006158.5 (MANE Select); coding-DNA position 454, G replaced by A.
Protein change: p.Asp152Asn; replaces aspartic acid 152 with asparagine.
Molecular consequence: missense variant.
Genome position (GRCh38, 1-based): chr8:24,956,062, C>T on the plus strand (G>A on the coding strand, the complement: NEFL is on the minus strand). VCF-style: chr8-24956062-C-T. GRCh37 (hg19) VCF-style: chr8-24813576-C-T.
Other names: short protein forms D152N.
Identifiers: ClinVar variation 3571778 (VCV003571778.1).

ClinVar aggregate classification (germline): Uncertain significance (1 of 4 stars; one submission).

Submission:

Athena Diagnostics
Classification: Uncertain significance. Last evaluated: 2024-03-29. Review status: criteria provided, single submitter. Criteria: Athena Diagnostics Criteria. Collection method: clinical testing. Allele origin: unknown.
Comment: Available data are insufficient to determine the clinical significance of the variant at this time. This variant has not been reported in large, multi-ethnic general populations. Computational tools predict that this variant is damaging.